The following is an entry in ClinVar:

ClinVar aggregate classification (germline): Uncertain significance (1 of 4 stars; one submission).

Conditions:
Joubert syndrome. Also called: CEREBELLOPARENCHYMAL DISORDER IV; JOUBERT-BOLTSHAUSER SYNDROME; Familial aplasia of the vermis. Identifiers: Orphanet 475, MedGen C5979921, MONDO:0018772.

Submission:

Labcorp Genetics (formerly Invitae), Labcorp
Classification: Uncertain significance for Joubert syndrome. Last evaluated: 2024-02-17. Review status: criteria provided, single submitter. Criteria: Invitae Variant Classification Sherloc (09022015). Collection method: clinical testing. Allele origin: germline.
Comment: This sequence change replaces valine, which is neutral and non-polar, with methionine, which is neutral and non-polar, at codon 452 of the INPP5E protein (p.Val452Met). This variant is not present in population databases (gnomAD no frequency). This variant has not been reported in the literature in individuals affected with INPP5E-related conditions. ClinVar contains an entry for this variant (Variation ID: 530889). Advanced modeling of protein sequence and biophysical properties (such as structural, functional, and spatial information, amino acid conservation, physicochemical variation, residue mobility, and thermodynamic stability) performed at Invitae indicates that this missense variant is expected to disrupt INPP5E protein function with a positive predictive value of 80%. In summary, the available evidence is currently insufficient to determine the role of this variant in disease. Therefore, it has been classified as a Variant of Uncertain Significance.

NM_019892.6(INPP5E):c.1354G>A (p.Val452Met)

Gene: INPP5E (inositol polyphosphate-5-phosphatase E; minus strand). Cytogenetic location: 9q34.3.
Variant type: single nucleotide variant.
Coding change: c.1354G>A on transcript NM_019892.6 (MANE Select); coding-DNA position 1354, G replaced by A.
Protein change: p.Val452Met; replaces valine 452 with methionine.
Molecular consequence: missense variant.
Genome position (GRCh38, 1-based): chr9:136,432,512, C>T on the plus strand (G>A on the coding strand, the complement: INPP5E is on the minus strand). VCF-style: chr9-136432512-C-T. GRCh37 (hg19) VCF-style: chr9-139326964-C-T.
Other names: c.1351G>A, p.Val451Met (NM_001318502.2); short protein forms V452M, V451M.
Identifiers: ClinVar variation 530889 (VCV000530889.9), dbSNP rs1554793007, ClinGen allele CA375563333.